The following is an entry in ClinVar:

ClinVar aggregate classification (germline): Likely pathogenic (1 of 4 stars; one submission).

Conditions:
Bifunctional peroxisomal enzyme deficiency (DBIF). Also called: DBP DEFICIENCY; PBFE DEFICIENCY; D-bifunctional protein deficiency. Identifiers: Orphanet 300, MedGen C0342870, MONDO:0009855, OMIM 261515. Disease mechanism: loss of function.

Submission:

Natera, Inc.
Classification: Likely pathogenic for Bifunctional peroxisomal enzyme deficiency. Last evaluated: 2025-09-30. Review status: criteria provided, single submitter. Criteria: Natera Variant Classification Schema (03/2026). Collection method: clinical testing. Allele origin: germline.
Comment: The c.2T>A variant in HSD17B4 is predicted to result in start loss due to disruption of the initiator methionine. This variant is expected to result in nonsense mediated decay, truncation, or a dysfunctional protein product. This variant is rare in the general population with a frequency below the threshold expected for the associated phenotype(s). Given the available evidence, this variant is classified as Likely Pathogenic.

NM_000414.4(HSD17B4):c.2T>A (p.Met1Lys)

Gene: HSD17B4 (hydroxysteroid 17-beta dehydrogenase 4; plus strand). Cytogenetic location: 5q23.1.
Variant type: single nucleotide variant.
Coding change: c.2T>A on transcript NM_000414.4 (MANE Select); coding-DNA position 2, T replaced by A.
Protein change: p.Met1Lys; changes the start codon (methionine 1).
Molecular consequence: missense variant, initiator codon variant. On other transcripts: 5 prime UTR variant (8), non-coding transcript variant (2).
Genome position (GRCh38, 1-based): chr5:119,452,577, T>A. VCF-style: chr5-119452577-T-A. GRCh37 (hg19) VCF-style: chr5-118788272-T-A.
Other names: c.-177T>A (NM_001199291.3); c.2T>A, p.Met1Lys (NM_001199292.2, NM_001374497.1, NM_001374498.1); c.-136T>A (NM_001292027.2); c.-598T>A (NM_001292028.2, NM_001374501.1); c.-532T>A (NM_001374499.1); c.-725T>A (NM_001374500.1); c.-603T>A (NM_001374502.1); c.-668T>A (NM_001374503.1); short protein forms M1K.
Identifiers: ClinVar variation 4818351 (VCV004818351.1).
Genomic context (GRCh38, chr5:119,452,577, plus strand): 5'-CCGCAGTCGGCGTCCAGCGGCTCTGCTTGTTCGTGTGTGTGTCGTTGCAGGCCTTATTCA[T>A]GGGCTCACCGCTGAGGTTCGACGGGCGGGTGGTACTGGTCACCGGCGCGGGGGCAGGTGA-3'
Protein context (NP_000405.1, residues 1-11): [Met1Lys]GSPLRFDGRV